The following is an entry in ClinVar:

ClinVar aggregate classification (germline): Uncertain significance (1 of 4 stars; one submission).

Conditions:
Epidermolysis bullosa simplex 5B, with muscular dystrophy (EBS5B). Also called: EPIDERMOLYSIS BULLOSA SIMPLEX AND LIMB-GIRDLE MUSCULAR DYSTROPHY; Epidermolysis bullosa simplex with muscular dystrophy. Identifiers: Orphanet 257, MedGen C2931072, MONDO:0009181, OMIM 226670.
Epidermolysis bullosa simplex, Ogna type (EBS5A). Also called: Pidermolysis bullosa simplex 5A, Ogna type; EPIDERMOLYSIS BULLOSA SIMPLEX 5A, OGNA TYPE. Identifiers: Orphanet 79401, MedGen C0432317, MONDO:0007555, OMIM 131950.
Epidermolysis bullosa simplex 5C, with pyloric atresia (EBS5C). Also called: Epidermolysis bullosa simplex with pyloric atresia; PLEC-Related Epidermolysis Bullosa with Pyloric Atresia; PLEC1-Related Epidermolysis Bullosa with Pyloric Atresia. Identifiers: Orphanet 158684, MedGen C2677349, MONDO:0012807, OMIM 612138.
Autosomal recessive limb-girdle muscular dystrophy type 2Q (LGMDR17). Also called: MUSCULAR DYSTROPHY, LIMB-GIRDLE, AUTOSOMAL RECESSIVE 17. Identifiers: Orphanet 254361, MedGen C3150989, MONDO:0013390, OMIM 613723.
Epidermolysis bullosa simplex with nail dystrophy (EBS5D). Identifiers: MedGen C4225309, MONDO:0014661, OMIM 616487.

gnomAD v4.1: 1 of 1,613,084 alleles (0.000062%); no homozygotes.

Submission:

Labcorp Genetics (formerly Invitae), Labcorp
Classification: Uncertain significance for Autosomal recessive limb-girdle muscular dystrophy type 2Q; Epidermolysis bullosa simplex, Ogna type; Epidermolysis bullosa simplex with nail dystrophy; Epidermolysis bullosa simplex 5C, with pyloric atresia; Epidermolysis bullosa simplex 5B, with muscular dystrophy. Last evaluated: 2025-02-04. Review status: criteria provided, single submitter. Criteria: Invitae Variant Classification Sherloc (09022015). Collection method: clinical testing. Allele origin: germline.
Comment: This sequence change replaces serine, which is neutral and polar, with glycine, which is neutral and non-polar, at codon 1338 of the PLEC protein (p.Ser1338Gly). This variant is not present in population databases (gnomAD no frequency). This variant has not been reported in the literature in individuals affected with PLEC-related conditions. Invitae Evidence Modeling of protein sequence and biophysical properties (such as structural, functional, and spatial information, amino acid conservation, physicochemical variation, residue mobility, and thermodynamic stability) indicates that this missense variant is not expected to disrupt PLEC protein function with a negative predictive value of 80%. In summary, the available evidence is currently insufficient to determine the role of this variant in disease. Therefore, it has been classified as a Variant of Uncertain Significance.

NM_201384.3(PLEC):c.3931A>G (p.Ser1311Gly)

Gene: PLEC (plectin; minus strand). Cytogenetic location: 8q24.3.
Variant type: single nucleotide variant.
Coding change: c.3931A>G on transcript NM_201384.3 (MANE Select); coding-DNA position 3931, A replaced by G.
Protein change: p.Ser1311Gly; replaces serine 1311 with glycine.
Molecular consequence: missense variant.
Genome position (GRCh38, 1-based): chr8:143,926,991, T>C on the plus strand (A>G on the coding strand, the complement: PLEC is on the minus strand). VCF-style: chr8-143926991-T-C. GRCh37 (hg19) VCF-style: chr8-145001159-T-C.
Other names: c.4012A>G, p.Ser1338Gly (NM_001410941.1, NM_000445.5); c.3889A>G, p.Ser1297Gly (NM_201378.4); c.3865A>G, p.Ser1289Gly (NM_201379.3); c.4342A>G, p.Ser1448Gly (NM_201380.4); c.3835A>G, p.Ser1279Gly (NM_201381.3); c.3931A>G, p.Ser1311Gly (NM_201382.4); c.3943A>G, p.Ser1315Gly (NM_201383.3); short protein forms S1289G, S1297G, S1311G, S1448G, S1279G, S1338G, S1315G.
Identifiers: ClinVar variation 4793403 (VCV004793403.1).
Genomic context (GRCh38, chr8:143,926,991, plus strand): 5'-AGAGGCCTGCCAGCCCCTCACCCAGTTAGGTTCGGCCCCACCCTACCTCCTGGATGACAC[T>C]CTCTGATCCCGACTGGACCTTGGGCTTCTTGGCCGGGGAGGCCACCGGCTCAAGCTGCGC-3'
Protein context (NP_958786.1, residues 1301-1321): KKPKVQSGSE[Ser1311Gly]VIQEYVDLRT